The following is an entry in ClinVar:

ClinVar aggregate classification (germline): Likely benign. Review status: criteria provided, multiple submitters, no conflicts (2 of 4 stars). 2 submissions from 2 submitters: Likely benign (2). Last evaluated 2025-06-19.

Conditions:
Epidermolysis bullosa simplex due to plakophilin deficiency. Also called: MCGRATH SYNDROME. Identifiers: Orphanet 158668, MedGen C1858302, MONDO:0011472, OMIM 604536.

Allele frequency attached by ClinVar (database versions not stated): gnomAD 0.00006; TOPMed 0.00028; 1000 Genomes Project 30x 0.00031; gnomAD exomes 0.00031; ExAC 0.00034.
gnomAD v4.1: 207 of 1,613,972 alleles (0.013%); highest among the groups gnomAD compares: East Asian, 0.38%; no homozygotes.

Submissions (2):

Labcorp Genetics (formerly Invitae), Labcorp
Classification: Likely benign. Last evaluated: 2025-06-19. Review status: criteria provided, single submitter. Criteria: Invitae Variant Classification Sherloc (09022015). Collection method: clinical testing. Allele origin: germline.

Illumina Laboratory Services, Illumina
Classification: Likely benign for Epidermolysis bullosa simplex due to plakophilin deficiency. Last evaluated: 2018-01-13. Review status: criteria provided, single submitter. Criteria: ICSL Variant Classification Criteria 13 December 2019. Collection method: clinical testing. Allele origin: germline.
Comment: This variant was observed in the ICSL laboratory as part of a predisposition screen in an ostensibly healthy population. It had not been previously curated by ICSL or reported in the Human Gene Mutation Database (HGMD: prior to June 1st, 2018), and was therefore a candidate for classification through an automated scoring system. Utilizing variant allele frequency, disease prevalence and penetrance estimates, and inheritance mode, an automated score was calculated to assess if this variant is too frequent to cause the disease. Based on the score and internal cut-off values, a variant classified as likely benign is not then subjected to further curation. The score for this variant resulted in a classification of likely benign for this disease.

NM_001005337.3(PKP1):c.899A>C (p.Asn300Thr)

Gene: PKP1 (plakophilin 1; plus strand). Cytogenetic location: 1q32.1.
Variant type: single nucleotide variant.
Coding change: c.899A>C on transcript NM_001005337.3 (MANE Select); coding-DNA position 899, A replaced by C.
Protein change: p.Asn300Thr; replaces asparagine 300 with threonine.
Molecular consequence: missense variant.
Genome position (GRCh38, 1-based): chr1:201,317,624, A>C. VCF-style: chr1-201317624-A-C. GRCh37 (hg19) VCF-style: chr1-201286752-A-C.
Other names: c.899A>C, p.Asn300Thr (NM_000299.4); short protein forms N300T.
Identifiers: ClinVar variation 294813 (VCV000294813.7), dbSNP rs552414505, ClinGen allele CA1324233.